The following is an entry in ClinVar:

ClinVar aggregate classification (germline): Uncertain significance. Review status: criteria provided, multiple submitters, no conflicts (2 of 4 stars). 2 submissions from 2 submitters: Uncertain significance (2). Last evaluated 2025-06-30.

Allele frequency attached by ClinVar (database versions not stated): gnomAD exomes below 0.00001.
gnomAD v4.1: 7 of 1,614,174 alleles (0.00043%); highest among the groups gnomAD compares: Middle Eastern, 0.016%; no homozygotes.

Submissions (2):

Ambry Genetics
Classification: Uncertain significance. Last evaluated: 2025-06-30. Review status: criteria provided, single submitter. Criteria: Ambry Variant Classification Scheme 2023. Collection method: clinical testing. Allele origin: germline.

Labcorp Genetics (formerly Invitae), Labcorp
Classification: Uncertain significance. Last evaluated: 2024-05-04. Review status: criteria provided, single submitter. Criteria: Invitae Variant Classification Sherloc (09022015). Collection method: clinical testing. Allele origin: germline.
Comment: This sequence change replaces aspartic acid, which is acidic and polar, with histidine, which is basic and polar, at codon 374 of the TERF2IP protein (p.Asp374His). This variant is not present in population databases (gnomAD no frequency). This variant has not been reported in the literature in individuals affected with TERF2IP-related conditions. ClinVar contains an entry for this variant (Variation ID: 1797754). An algorithm developed to predict the effect of missense changes on protein structure and function (PolyPhen-2) suggests that this variant is likely to be disruptive. In summary, the available evidence is currently insufficient to determine the role of this variant in disease. Therefore, it has been classified as a Variant of Uncertain Significance.

NM_018975.4(TERF2IP):c.1120G>C (p.Asp374His)

Gene: TERF2IP (TERF2 interacting protein; plus strand). Cytogenetic location: 16q23.1.
Variant type: single nucleotide variant.
Coding change: c.1120G>C on transcript NM_018975.4 (MANE Select); coding-DNA position 1120, G replaced by C.
Protein change: p.Asp374His; replaces aspartic acid 374 with histidine.
Molecular consequence: missense variant. On other transcripts: non-coding transcript variant (1).
Genome position (GRCh38, 1-based): chr16:75,656,531, G>C. VCF-style: chr16-75656531-G-C. GRCh37 (hg19) VCF-style: chr16-75690429-G-C.
Other names: short protein forms D374H.
Identifiers: ClinVar variation 1797754 (VCV001797754.6), dbSNP rs2082388231, ClinGen allele CA396820304.